The following is an entry in ClinVar:

ClinVar aggregate classification (germline): Pathogenic/Likely pathogenic. Review status: criteria provided, multiple submitters, no conflicts (2 of 4 stars). 2 submissions from 2 submitters: Pathogenic (1); Likely pathogenic (1). Last evaluated 2025-05-21.

Conditions:
D-2-hydroxyglutaric aciduria 1 (D2HGA1). Identifiers: Orphanet 79315, MedGen C3152055, MONDO:0024554, OMIM 600721.

gnomAD v4.1: 9 of 1,613,482 alleles (0.00056%); highest among the groups gnomAD compares: South Asian, 0.0099%; no homozygotes.

Submissions (2):

Women's Health and Genetics/Laboratory Corporation of America, LabCorp
Classification: Pathogenic for D-2-hydroxyglutaric aciduria 1. Last evaluated: 2025-05-21. Review status: criteria provided, single submitter. Criteria: LabCorp Variant Classification Summary - May 2015. Collection method: clinical testing. Allele origin: germline.
Comment: Variant summary: D2HGDH c.505C>T (p.Gln169X) results in a premature termination codon, predicted to cause a truncation of the encoded protein or absence of the protein due to nonsense mediated decay, which are commonly known mechanisms for disease. The variant allele was found at a frequency of 2e-05 in 249192 control chromosomes. c.505C>T has been observed in individual(s) affected with D-2 Hydroxyglutaric Aciduria 1 (Kranendijk_2010). These report(s) indicate that this variant is likely to be associated with D-2 Hydroxyglutaric Aciduria 1. To our knowledge, no experimental evidence demonstrating an impact on protein function has been reported. The following publication have been ascertained in the context of this evaluation (PMID: 20020533). No submitters have cited clinical-significance assessments for this variant to ClinVar. Based on the evidence outlined above, the variant was classified as pathogenic.

Division of Genetic & Genomic Pathology, Hong Kong Children's Hospital
Classification: Likely pathogenic for D-2-hydroxyglutaric aciduria 1. Last evaluated: 2025-01-23. Review status: criteria provided, single submitter. Criteria: ACMG Guidelines, 2015. Collection method: clinical testing. Allele origin: germline. Affected: yes.
Comment: NM_152783.5(D2HGDH):c.505C>T p.(Gln169*) is a nonsense variant in exon 5 of the D2HGDH gene. In-silico analysis suggests that this variant cause a premature stop codon leading to nonsense mediated decay. Loss-of-function is an established disease mechanism for D2HGDH gene (ClinGen Dosage ID: ISCA-24411; HI Score=30). This variant is reported at very low frequency in population databases (gnomAD v4.1.0: all populations: 9 in 1,613,482 alleles; South Asian: 9 in 90,952 alleles). In HGMD Professional 2024.4, this variant has been reported as disease-causing mutation to D-2-hydroxyglutaric aciduria (HGMD accession CM101382; PMID 20020533 and 25525159). For these reasons, this variant is classified as likely pathogenic.

Literature cited by the submitters: PubMed 20020533 (cited by Women's Health and Genetics/Laboratory Corporation of America, LabCorp and Division of Genetic & Genomic Pathology, Hong Kong Children's Hospital); PubMed 25525159 (cited by Division of Genetic & Genomic Pathology, Hong Kong Children's Hospital).

NM_152783.5(D2HGDH):c.505C>T (p.Gln169Ter)

Gene: D2HGDH (D-2-hydroxyglutarate dehydrogenase; plus strand). Cytogenetic location: 2q37.3.
Variant type: single nucleotide variant.
Coding change: c.505C>T on transcript NM_152783.5 (MANE Select); coding-DNA position 505, C replaced by T.
Protein change: p.Gln169Ter; replaces glutamine 169 with a stop codon.
Molecular consequence: nonsense. On other transcripts: non-coding transcript variant (1), intron variant (1).
Genome position (GRCh38, 1-based): chr2:241,743,636, C>T. VCF-style: chr2-241743636-C-T. GRCh37 (hg19) VCF-style: chr2-242683051-C-T.
Other names: c.103C>T, p.Gln35Ter (NM_001287249.2); c.-54-3C>T (NM_001352824.2); short protein forms Q169*, Q35*.
Identifiers: ClinVar variation 3902760 (VCV003902760.2).